The following is an entry in ClinVar:

ClinVar aggregate classification (germline): Uncertain significance (1 of 4 stars; one submission).

Allele frequency attached by ClinVar (database versions not stated): gnomAD 0.00001.
gnomAD v4.1: 3 of 1,452,742 alleles (0.00021%); highest among the groups gnomAD compares: Non-Finnish European, 0.00027%; no homozygotes.

Submission:

Labcorp Genetics (formerly Invitae), Labcorp
Classification: Uncertain significance. Last evaluated: 2023-11-13. Review status: criteria provided, single submitter. Criteria: Invitae Variant Classification Sherloc (09022015). Collection method: clinical testing. Allele origin: germline.
Comment: This sequence change replaces glycine, which is neutral and non-polar, with valine, which is neutral and non-polar, at codon 105 of the LEMD3 protein (p.Gly105Val). This variant is not present in population databases (gnomAD no frequency). This variant has not been reported in the literature in individuals affected with LEMD3-related conditions. An algorithm developed to predict the effect of missense changes on protein structure and function (PolyPhen-2) suggests that this variant is likely to be tolerated. In summary, the available evidence is currently insufficient to determine the role of this variant in disease. Therefore, it has been classified as a Variant of Uncertain Significance.

NM_014319.5(LEMD3):c.314G>T (p.Gly105Val)

Genes: LEMD3 (LEM domain containing 3; plus strand), LOC130008224 (ATAC-STARR-seq lymphoblastoid silent region 4630; plus strand). Cytogenetic location: 12q14.3.
Variant type: single nucleotide variant.
Coding change: c.314G>T on transcript NM_014319.5 (MANE Select); coding-DNA position 314, G replaced by T.
Protein change: p.Gly105Val; replaces glycine 105 with valine.
Molecular consequence: missense variant.
Genome position (GRCh38, 1-based): chr12:65,169,910, G>T. VCF-style: chr12-65169910-G-T. GRCh37 (hg19) VCF-style: chr12-65563690-G-T.
Other names: c.314G>T, p.Gly105Val (NM_001167614.2); short protein forms G105V.
Identifiers: ClinVar variation 2795130 (VCV002795130.3), dbSNP rs1868461162, ClinGen allele CA385672560.
Genomic context (GRCh38, chr12:65,169,910, plus strand): 5'-CGGCCGCGGGGATGGGGGTCCGGCCGGTCTCGGGCGACCTCTCCTACTTACGGACTCCTG[G>T]GGGCCTGTGCCGAATCTCGGCCTCTGGCCCAGAGAGCCTCCTGGGAGGGCCCGGGGGCGC-3'
Protein context (NP_055134.2, residues 95-115): SGDLSYLRTP[Gly105Val]GLCRISASGP